The following is an entry in ClinVar:

ClinVar aggregate classification (germline): Uncertain significance (1 of 4 stars; one submission).

Conditions:
Inborn genetic diseases. Identifiers: MedGen C0950123, MeSH D030342.

Submission:

Ambry Genetics
Classification: Uncertain significance for Inborn genetic diseases. Last evaluated: 2026-02-19. Review status: criteria provided, single submitter. Criteria: Ambry Variant Classification Scheme 2023. Collection method: clinical testing. Allele origin: germline.
Comment: The c.1355_1357delAGCinsCGA variant (also known as p.K452_L453delinsTI), located in coding exon 5 of the MBD4 gene, results from an in-frame deletion of AGC and insertion of CGA at nucleotide positions 1355 to 1357. This results in the substitution of lysine and leucine residues for threonine and isoleucine residues at codons 452 and 453, an amino acid with highly similar properties. This amino acid region is highly conserved in available vertebrate species. In addition, this variant is predicted to be deleterious by in silico analysis (Choi Y et al. PLoS ONE. 2012; 7(10):e46688). Based on the available evidence, the clinical significance of this variant remains unclear.

NM_001276270.2(MBD4):c.1355_1357delinsCGA (p.Lys452_Leu453delinsThrIle)

Gene: MBD4 (methyl-CpG binding domain 4, DNA glycosylase; minus strand). Cytogenetic location: 3q21.3.
Variant type: Indel.
Coding change: c.1355_1357delinsCGA on transcript NM_001276270.2 (MANE Select); coding-DNA positions 1355 to 1357, AGC replaced by CGA.
Protein change: p.Lys452_Leu453delinsThrIle.
Molecular consequence: missense variant.
Genome position (GRCh38, 1-based): chr3:129,433,886-129,433,888, GCT replaced by TCG on the plus strand (AGC replaced by CGA on the coding strand, the reverse complement: MBD4 is on the minus strand). VCF-style: chr3-129433886-GCT-TCG. GRCh37 (hg19) VCF-style: chr3-129152729-GCT-TCG.
Other names: c.1355_1357delAGCinsCGA (NM_001276270.2); c.1373_1375delinsCGA, p.Lys458_Leu459delinsThrIle (NM_001276271.2, NM_001276272.2, NM_003925.3); c.419_421delinsCGA, p.Lys140_Leu141delinsThrIle (NM_001276273.2).
Identifiers: ClinVar variation 4825718 (VCV004825718.1).